The following is an entry in ClinVar:

ClinVar aggregate classification (germline): Pathogenic (1 of 4 stars; one submission).

Conditions:
15q11q13 microduplication syndrome. Also called: Chromosome 15q11-q13 duplication syndrome; DUPLICATION 15q11-q13 SYNDROME; Maternal 15q Duplication Syndrome; 15q11.2-q13.1 Duplication Syndrome. Identifiers: Orphanet 238446, MedGen C2675336, MONDO:0012081, OMIM 608636.

Submission:

Unidad de Genómica Garrahan, Hospital de Pediatría Garrahan
Classification: Pathogenic for 15q11q13 microduplication syndrome. Last evaluated: 2024-01-15. Review status: criteria provided, single submitter. Criteria: ACMG/ClinGen CNV Guidelines, 2019. Collection method: clinical testing. Allele origin: germline. Affected: yes.
Comment: Maternal isodicentric chromosome 15 (idic(15)) The variant was initially identified through a Next Generation Sequencing (NGS) gene panel with bioinformatic prediction of copy number variants (CNVs), sequenced on a MiSeq sequencer. Subsequently, it was confirmed using multiplex ligation-dependent probe amplification (MLPA, SALSA MLPA Probemix ME028 Prader-Willi/Angelman version C1), which includes both copy number variations and methylation status of the 15q11 region. The observed copy number gains were as follows: asymmetrical breakpoints cen-BP3 (4 copies), BP3-BP4 (3 copies). Additionally, this copy number gain was also studied through karyotype (Giemsa-Trypsin banding from peripheral blood lymphocytes using standard G-banding-procedures) and fluorescence in situ hybridization (FISH, on metaphase chromosomes and interphase nucleus, using the Prader-Willi/Angelman Critical Region probe SNRPN; Vysis, Abbott Laboratories, USA). Finally, the genomic content of this chromosomal rearrangement was characterized by array comparative genomic hybridization (a-CGH, SurePrint G3 Unrestricted CGH ISCA v2, 8x60K oligo-array; Analysis software: Agilent CytoGenomics 5.2.1.4; Equipment: SureScan Microarray Scanner, Agilent Technologies, USA). 47,XY,+mar.ish idic(15)(q12)(SNRPN++).arr[GRCh38] 15q11.2q13.1(22612582_28435882x4,28785312_29993699x3)

GRCh38/hg38 15q11.2-13.1(chr15:22612582-29993699)

Genes: APBA2 (amyloid beta precursor protein binding family A member 2; plus strand), ATP10A (ATPase phospholipid transporting 10A (putative); minus strand), ATP10A-DT (ATP10A divergent transcript; plus strand), CYFIP1 (cytoplasmic FMR1 interacting protein 1; minus strand), ENTREP2 (endosomal transmembrane epsin interactor 2; minus strand) and 186 more. Cytogenetic location: 15q11.2-13.1.
Variant type: copy number gain.
Identifiers: ClinVar variation 3062004 (VCV003062004.1).